The following is an entry in ClinVar:

ClinVar aggregate classification (germline): Uncertain significance. Review status: criteria provided, multiple submitters, no conflicts (2 of 4 stars). 2 submissions from 2 submitters: Uncertain significance (2). Last evaluated 2024-12-14.

Conditions:
Immunodeficiency 35 (IMD35). Also called: TYK2 DEFICIENCY; Susceptibility to infection due to TYK2 deficiency; HIES WITH ATYPICAL MYCOBACTERIOSIS, AUTOSOMAL RECESSIVE; HYPER-IgE SYNDROME WITH ATYPICAL MYCOBACTERIOSIS, AUTOSOMAL RECESSIVE. Identifiers: Orphanet 331226, MedGen C1969086, MONDO:0012682, OMIM 611521.

Allele frequency attached by ClinVar (database versions not stated): ExAC 0.00001; gnomAD exomes 0.00002 and 0.00003; TOPMed 0.00003; gnomAD 0.00005; ESP Exome Variant Server 0.00008.
gnomAD v4.1: 56 of 1,613,884 alleles (0.0035%); highest among the groups gnomAD compares: African/African-American, 0.008%; no homozygotes.

Submissions (2):

Labcorp Genetics (formerly Invitae), Labcorp
Classification: Uncertain significance for Immunodeficiency 35. Last evaluated: 2024-12-14. Review status: criteria provided, single submitter. Criteria: Invitae Variant Classification Sherloc (09022015). Collection method: clinical testing. Allele origin: germline.
Comment: This sequence change replaces tyrosine, which is neutral and polar, with cysteine, which is neutral and slightly polar, at codon 896 of the TYK2 protein (p.Tyr896Cys). This variant is present in population databases (rs372017111, gnomAD 0.02%). This variant has not been reported in the literature in individuals affected with TYK2-related conditions. ClinVar contains an entry for this variant (Variation ID: 645003). Invitae Evidence Modeling of protein sequence and biophysical properties (such as structural, functional, and spatial information, amino acid conservation, physicochemical variation, residue mobility, and thermodynamic stability) indicates that this missense variant is expected to disrupt TYK2 protein function with a positive predictive value of 80%. In summary, the available evidence is currently insufficient to determine the role of this variant in disease. Therefore, it has been classified as a Variant of Uncertain Significance.

Illumina Laboratory Services, Illumina
Classification: Uncertain significance for Immunodeficiency 35. Last evaluated: 2018-01-13. Review status: criteria provided, single submitter. Criteria: ICSL Variant Classification Criteria 13 December 2019. Collection method: clinical testing. Allele origin: germline.

NM_003331.5(TYK2):c.2687A>G (p.Tyr896Cys)

Gene: TYK2 (tyrosine kinase 2; minus strand). Cytogenetic location: 19p13.2.
Variant type: single nucleotide variant.
Coding change: c.2687A>G on transcript NM_003331.5 (MANE Select); coding-DNA position 2687, A replaced by G.
Protein change: p.Tyr896Cys; replaces tyrosine 896 with cysteine.
Molecular consequence: missense variant.
Genome position (GRCh38, 1-based): chr19:10,354,540, T>C on the plus strand (A>G on the coding strand, the complement: TYK2 is on the minus strand). VCF-style: chr19-10354540-T-C. GRCh37 (hg19) VCF-style: chr19-10465216-T-C.
Other names: c.2687A>G (LRG_121t1); short protein forms Y896C.
Identifiers: ClinVar variation 645003 (VCV000645003.11), dbSNP rs372017111, ClinGen allele CA9192962.